The following is an entry in ClinVar:

ClinVar aggregate classification (germline): Uncertain significance (1 of 4 stars; one submission).

Conditions:
Familial intrahepatic cholestasis. Identifiers: Orphanet 284385, MedGen CN296401, MONDO:0017290.
Low phospholipid associated cholelithiasis (GBD1). Also called: Gallbladder disease 1; Gallstone cholecystitis. Identifiers: Orphanet 69663, MedGen C2609268, MONDO:0010939, OMIM 600803.

Submission:

Genomenon, Inc
Classification: Uncertain significance for Familial intrahepatic cholestasis; Low phospholipid associated cholelithiasis. Last evaluated: 2026-04-14. Review status: criteria provided, single submitter. Criteria: Genomenon Sequence Variant Interpretation Standards - Updated. Collection method: curation. Allele origin: germline. Affected: no.
Comment: ABCB4 p.Ala578Ser (c.1732G>T) is a missense variant that changes the amino acid at residue 578 from Alanine to Serine. This variant has been reported in the published literature (PMID:37208429). It is absent or not present at a significant frequency in gnomAD. In silico models predict that this variant is possibly or probably damaging. In conclusion, we classify ABCB4 p.Ala578Ser (c.1732G>T) as a variant of uncertain significance.

Literature cited by the submitters: PubMed 37208429.

NM_000443.4(ABCB4):c.1732G>T (p.Ala578Ser)

Gene: ABCB4 (ATP binding cassette subfamily B member 4; minus strand). Cytogenetic location: 7q21.12.
Variant type: single nucleotide variant.
Coding change: c.1732G>T on transcript NM_000443.4 (MANE Select); coding-DNA position 1732, G replaced by T.
Protein change: p.Ala578Ser; replaces alanine 578 with serine.
Molecular consequence: missense variant.
Genome position (GRCh38, 1-based): chr7:87,431,565, C>A on the plus strand (G>T on the coding strand, the complement: ABCB4 is on the minus strand). VCF-style: chr7-87431565-C-A. GRCh37 (hg19) VCF-style: chr7-87060881-C-A.
Other names: c.1732G>T, p.Ala578Ser (NM_018849.3, NM_018850.3); short protein forms A578S.
Identifiers: ClinVar variation 4846401 (VCV004846401.1).
Genomic context (GRCh38, chr7:87,431,565, plus strand): 5'-CTGCATTTCGGACCGTAGACAGTCGGTGTGCTATCACAATGGTGGTCCGGCCTTCTCTGG[C>A]CTAAAAGAACAAAAATGTGGTGCATCAGGGTTACAGTATTGGCACACTGTCAATTAACAT-3'
Protein context (NP_000434.1, residues 568-588): EAEVQAALDK[Ala578Ser]REGRTTIVIA